The following is an entry in ClinVar:

NM_032242.4(PLXNA1):c.4253A>G (p.Lys1418Arg)

Gene: PLXNA1 (plexin A1; plus strand). Cytogenetic location: 3q21.3.
Variant type: single nucleotide variant.
Coding change: c.4253A>G on transcript NM_032242.4 (MANE Select); coding-DNA position 4253, A replaced by G.
Protein change: p.Lys1418Arg; replaces lysine 1418 with arginine.
Molecular consequence: missense variant.
Genome position (GRCh38, 1-based): chr3:127,022,299, A>G. VCF-style: chr3-127022299-A-G. GRCh37 (hg19) VCF-style: chr3-126741142-A-G.
Other names: short protein forms K1418R.
Identifiers: ClinVar variation 4990099 (VCV004990099.1).

ClinVar aggregate classification (germline): Uncertain significance (1 of 4 stars; one submission).

Conditions:
PLXNA1-related disorder. Also called: PLXNA1-related condition.

Submission:

PreventionGenetics, part of Exact Sciences
Classification: Uncertain significance for PLXNA1-related condition. Last evaluated: 2025-09-15. Review status: criteria provided, single submitter. Criteria: ACMG Guidelines, 2015. Collection method: clinical testing. Allele origin: germline.
Comment: The PLXNA1 c.4253A>G variant is predicted to result in the amino acid substitution p.Lys1418Arg. To our knowledge, this variant has not been reported in the literature or in a large population database (gnomAD), indicating this variant is rare. At this time, the clinical significance of this variant is uncertain due to the absence of conclusive functional and genetic evidence.